The following is an entry in ClinVar:

ClinVar aggregate classification (germline): Uncertain significance. Review status: criteria provided, multiple submitters, no conflicts (2 of 4 stars). 2 submissions from 2 submitters: Uncertain significance (2). Last evaluated 2026-02-25.

Allele frequency attached by ClinVar (database versions not stated): gnomAD exomes 0.00002 and 0.00003; ExAC 0.00004; TOPMed 0.00005; gnomAD 0.00006; 1000 Genomes Project 30x 0.00016; 1000 Genomes Project 0.00020.
gnomAD v4.1: 36 of 1,614,032 alleles (0.0022%); highest among the groups gnomAD compares: African/African-American, 0.012%; no homozygotes.

Submissions (2):

GeneDx
Classification: Uncertain significance. Last evaluated: 2026-02-25. Review status: criteria provided, single submitter. Criteria: GeneDx Variant Classification Process June 2021. Collection method: clinical testing. Allele origin: germline.
Comment: In silico analysis suggests that this missense variant does not alter protein structure/function; Has not been previously published as pathogenic or benign to our knowledge

Labcorp Genetics (formerly Invitae), Labcorp
Classification: Uncertain significance. Last evaluated: 2024-11-19. Review status: criteria provided, single submitter. Criteria: Invitae Variant Classification Sherloc (09022015). Collection method: clinical testing. Allele origin: germline.
Comment: This sequence change replaces threonine, which is neutral and polar, with methionine, which is neutral and non-polar, at codon 581 of the VCAN protein (p.Thr581Met). This variant is present in population databases (rs540758500, gnomAD 0.02%). This variant has not been reported in the literature in individuals affected with VCAN-related conditions. ClinVar contains an entry for this variant (Variation ID: 1002092). An algorithm developed to predict the effect of missense changes on protein structure and function (PolyPhen-2) suggests that this variant is likely to be disruptive. In summary, the available evidence is currently insufficient to determine the role of this variant in disease. Therefore, it has been classified as a Variant of Uncertain Significance.

NM_004385.5(VCAN):c.1742C>T (p.Thr581Met)

Gene: VCAN (versican; plus strand). Cytogenetic location: 5q14.3.
Variant type: single nucleotide variant.
Coding change: c.1742C>T on transcript NM_004385.5 (MANE Select); coding-DNA position 1742, C replaced by T.
Protein change: p.Thr581Met; replaces threonine 581 with methionine.
Molecular consequence: missense variant. On other transcripts: intron variant (2).
Genome position (GRCh38, 1-based): chr5:83,520,048, C>T. VCF-style: chr5-83520048-C-T. GRCh37 (hg19) VCF-style: chr5-82815867-C-T.
Other names: c.1742C>T, p.Thr581Met (NM_001164098.2); c.1042+7652C>T (NM_001164097.2, NM_001126336.3); c.1742C>T (NM_004385.4); short protein forms T581M.
Identifiers: ClinVar variation 1002092 (VCV001002092.8), dbSNP rs540758500, ClinGen allele CA3332722.